The following is an entry in ClinVar:

ClinVar aggregate classification (germline): Uncertain significance (1 of 4 stars; one submission).

Submission:

Ambry Genetics
Classification: Uncertain significance. Last evaluated: 2023-03-12. Review status: criteria provided, single submitter. Criteria: Ambry Variant Classification Scheme 2023. Collection method: clinical testing. Allele origin: germline.
Comment: The p.E1843D variant (also known as c.5529G>C), located in coding exon 16 of the POLQ gene, results from a G to C substitution at nucleotide position 5529. The glutamic acid at codon 1843 is replaced by aspartic acid, an amino acid with highly similar properties. This amino acid position is conserved. In addition, this alteration is predicted to be tolerated by in silico analysis. Since supporting evidence is limited at this time, the clinical significance of this alteration remains unclear.

NM_199420.4(POLQ):c.5529G>C (p.Glu1843Asp)

Gene: POLQ (DNA polymerase theta; minus strand). Cytogenetic location: 3q13.33.
Variant type: single nucleotide variant.
Coding change: c.5529G>C on transcript NM_199420.4 (MANE Select); coding-DNA position 5529, G replaced by C.
Protein change: p.Glu1843Asp; replaces glutamic acid 1843 with aspartic acid.
Molecular consequence: missense variant.
Genome position (GRCh38, 1-based): chr3:121,487,402, C>G on the plus strand (G>C on the coding strand, the complement: POLQ is on the minus strand). VCF-style: chr3-121487402-C-G. GRCh37 (hg19) VCF-style: chr3-121206249-C-G.
Other names: short protein forms E1843D.
Identifiers: ClinVar variation 2497203 (VCV002497203.2), dbSNP rs2546784632, ClinGen allele CA354089976.